The following is an entry in ClinVar:

NM_001004334.4(GPR179):c.5126T>G (p.Val1709Gly)

Gene: GPR179 (G protein-coupled receptor 179; minus strand). Cytogenetic location: 17q12.
Variant type: single nucleotide variant.
Coding change: c.5126T>G on transcript NM_001004334.4 (MANE Select); coding-DNA position 5126, T replaced by G.
Protein change: p.Val1709Gly; replaces valine 1709 with glycine.
Molecular consequence: missense variant.
Genome position (GRCh38, 1-based): chr17:38,328,443, A>C on the plus strand (T>G on the coding strand, the complement: GPR179 is on the minus strand). VCF-style: chr17-38328443-A-C. GRCh37 (hg19) VCF-style: chr17-36484326-A-C.
Other names: short protein forms V1709G.
Identifiers: ClinVar variation 3692745 (VCV003692745.2).

ClinVar aggregate classification (germline): Uncertain significance (1 of 4 stars; one submission).

gnomAD v4.1: 20 of 1,613,382 alleles (0.0012%); highest among the groups gnomAD compares: South Asian, 0.021%; no homozygotes.

Submission:

Labcorp Genetics (formerly Invitae), Labcorp
Classification: Uncertain significance. Last evaluated: 2024-04-08. Review status: criteria provided, single submitter. Criteria: Invitae Variant Classification Sherloc (09022015). Collection method: clinical testing. Allele origin: germline.
Comment: This sequence change replaces valine, which is neutral and non-polar, with glycine, which is neutral and non-polar, at codon 1709 of the GPR179 protein (p.Val1709Gly). This variant is present in population databases (rs745336444, gnomAD 0.02%). This variant has not been reported in the literature in individuals affected with GPR179-related conditions. Algorithms developed to predict the effect of missense changes on protein structure and function output the following: SIFT: "Not Available"; PolyPhen-2: "Benign"; Align-GVGD: "Not Available". The glycine amino acid residue is found in multiple mammalian species, which suggests that this missense change does not adversely affect protein function. In summary, the available evidence is currently insufficient to determine the role of this variant in disease. Therefore, it has been classified as a Variant of Uncertain Significance.